The following is an entry in ClinVar:

NM_000124.4(ERCC6):c.3984-10_3995del

Gene: ERCC6 (ERCC excision repair 6, chromatin remodeling factor; minus strand). Cytogenetic location: 10q11.23.
Variant type: Deletion.
Coding change: c.3984-10_3995del on transcript NM_000124.4 (MANE Select); 10 bases into the intron before coding-DNA position 3984 through coding-DNA position 3995, 22 bases deleted (CCTTTTTTAGGAGTAGATTTGG).
Molecular consequence: splice acceptor variant.
Genome position (GRCh38, 1-based): chr10:49,460,440-49,460,461, CCAAATCTACTCCTAAAAAAGG deleted on the plus strand (CCTTTTTTAGGAGTAGATTTGG on the coding strand, the reverse complement: ERCC6 is on the minus strand). VCF-style (leftmost placement, unchanged base first): chr10-49460439-ACCAAATCTACTCCTAAAAAAGG-A. GRCh37 (hg19) VCF-style: chr10-50668485-ACCAAATCTACTCCTAAAAAAGG-A.
Other names: c.3984-10_3995del (NM_001346440.2).
Identifiers: ClinVar variation 1941111 (VCV001941111.5), dbSNP rs2495946942, ClinGen allele CA2580081570.

ClinVar aggregate classification (germline): Likely pathogenic (1 of 4 stars; one submission).

Allele frequency attached by ClinVar (database versions not stated): gnomAD exomes below 0.00001.

Submission:

Labcorp Genetics (formerly Invitae), Labcorp
Classification: Likely pathogenic. Last evaluated: 2022-09-19. Review status: criteria provided, single submitter. Criteria: Invitae Variant Classification Sherloc (09022015). Collection method: clinical testing. Allele origin: germline.
Comment: In summary, the currently available evidence indicates that the variant is pathogenic, but additional data are needed to prove that conclusively. Therefore, this variant has been classified as Likely Pathogenic. Algorithms developed to predict the effect of sequence changes on RNA splicing suggest that this variant may disrupt the consensus splice site. This variant has not been reported in the literature in individuals affected with ERCC6-related conditions. This variant is not present in population databases (gnomAD no frequency). This variant results in the deletion of part of exon 20 (c.3984-10_3995del) of the ERCC6 gene. It is expected to disrupt RNA splicing. Variants that disrupt the donor or acceptor splice site typically lead to a loss of protein function (PMID: 16199547), and loss-of-function variants in ERCC6 are known to be pathogenic (PMID: 18628313, 29572252).

Literature cited by the submitters: PubMed 16199547; PubMed 18628313; PubMed 29572252.